The following is an entry in ClinVar:

NM_080424.4(SP110):c.1531G>A (p.Ala511Thr)

Gene: SP110 (SP110 nuclear body protein; minus strand). Cytogenetic location: 2q37.1.
Variant type: single nucleotide variant.
Coding change: c.1531G>A on transcript NM_080424.4 (MANE Select); coding-DNA position 1531, G replaced by A.
Protein change: p.Ala511Thr; replaces alanine 511 with threonine.
Molecular consequence: missense variant.
Genome position (GRCh38, 1-based): chr2:230,177,597, C>T on the plus strand (G>A on the coding strand, the complement: SP110 is on the minus strand). VCF-style: chr2-230177597-C-T. GRCh37 (hg19) VCF-style: chr2-231042313-C-T.
Other names: c.1531G>A (NM_004509.3); c.1549G>A, p.Ala517Thr (NM_001185015.2, NM_001378442.1, NM_001378444.1 and 2 more transcripts); c.1531G>A, p.Ala511Thr (NM_001378443.1, NM_004509.5, NM_004510.4); c.1381G>A, p.Ala461Thr (NM_001378447.1); short protein forms A461T, A511T, A517T.
Identifiers: ClinVar variation 1390742 (VCV001390742.6), dbSNP rs745817983, ClinGen allele CA2154473.

ClinVar aggregate classification (germline): Conflicting classifications of pathogenicity. Review status: criteria provided, conflicting classifications (1 of 4 stars). 2 submissions from 2 submitters: Uncertain significance (1); Likely benign (1). Last evaluated 2025-08-24.

Conditions:
Inborn genetic diseases. Identifiers: MedGen C0950123, MeSH D030342.
Hepatic veno-occlusive disease-immunodeficiency syndrome. Also called: Hepatic Veno-Occlusive Disease with Immunodeficiency. Identifiers: Orphanet 79124, MedGen C1856128, MONDO:0009338, OMIM 235550. Disease mechanism: loss of function.

Allele frequency attached by ClinVar (database versions not stated): gnomAD exomes 0.00002 and 0.00007; gnomAD 0.00003 and 0.00004; TOPMed 0.00006; ExAC 0.00007.
gnomAD v4.1: 36 of 1,613,864 alleles (0.0022%); highest among the groups gnomAD compares: Admixed American, 0.023%; no homozygotes.

Submissions (2):

Ambry Genetics
Classification: Likely benign for Inborn genetic diseases. Last evaluated: 2025-08-24. Review status: criteria provided, single submitter. Criteria: Ambry Variant Classification Scheme 2023. Collection method: clinical testing. Allele origin: germline.

Labcorp Genetics (formerly Invitae), Labcorp
Classification: Uncertain significance for Hepatic veno-occlusive disease-immunodeficiency syndrome. Last evaluated: 2021-08-20. Review status: criteria provided, single submitter. Criteria: Invitae Variant Classification Sherloc (09022015). Collection method: clinical testing. Allele origin: germline.
Comment: This sequence change replaces alanine with threonine at codon 511 of the SP110 protein (p.Ala511Thr). The alanine residue is weakly conserved and there is a small physicochemical difference between alanine and threonine. This variant is present in population databases (rs745817983, ExAC 0.03%). This variant has not been reported in the literature in individuals affected with SP110-related conditions. Algorithms developed to predict the effect of missense changes on protein structure and function output the following: SIFT: "Tolerated"; PolyPhen-2: "Benign"; Align-GVGD: "Class C0". The threonine amino acid residue is found in multiple mammalian species, which suggests that this missense change does not adversely affect protein function. In summary, the available evidence is currently insufficient to determine the role of this variant in disease. Therefore, it has been classified as a Variant of Uncertain Significance.